The following is an entry in ClinVar:

ClinVar aggregate classification (germline): Uncertain significance (1 of 4 stars; one submission).

Conditions:
Inflammatory skin and bowel disease, neonatal, 1. Identifiers: Orphanet 294023, MedGen C3280501, MONDO:0013693, OMIM 614328.

Allele frequency attached by ClinVar (database versions not stated): gnomAD exomes below 0.00001; ExAC 0.00002.
gnomAD v4.1: 2 of 1,604,124 alleles (0.00012%); highest among the groups gnomAD compares: Non-Finnish European, 0.00017%; no homozygotes.

Submission:

Labcorp Genetics (formerly Invitae), Labcorp
Classification: Uncertain significance for Inflammatory skin and bowel disease, neonatal, 1. Last evaluated: 2020-11-02. Review status: criteria provided, single submitter. Criteria: Invitae Variant Classification Sherloc (09022015). Collection method: clinical testing. Allele origin: germline.
Comment: In summary, the available evidence is currently insufficient to determine the role of this variant in disease. Therefore, it has been classified as a Variant of Uncertain Significance. This sequence change replaces proline with arginine at codon 20 of the ADAM17 protein (p.Pro20Arg). The proline residue is moderately conserved and there is a moderate physicochemical difference between proline and arginine. This variant is present in population databases (rs749144062, ExAC 0.004%). This variant has not been reported in the literature in individuals with ADAM17-related disease. Algorithms developed to predict the effect of missense changes on protein structure and function are either unavailable or do not agree on the potential impact of this missense change (SIFT: "Tolerated"; PolyPhen-2: "Possibly Damaging"; Align-GVGD: "Class C0").

NM_003183.6(ADAM17):c.59C>G (p.Pro20Arg)

Gene: ADAM17 (ADAM metallopeptidase domain 17; minus strand). Cytogenetic location: 2p25.1.
Variant type: single nucleotide variant.
Coding change: c.59C>G on transcript NM_003183.6 (MANE Select); coding-DNA position 59, C replaced by G.
Protein change: p.Pro20Arg; replaces proline 20 with arginine.
Molecular consequence: missense variant.
Genome position (GRCh38, 1-based): chr2:9,555,547, G>C on the plus strand (C>G on the coding strand, the complement: ADAM17 is on the minus strand). VCF-style: chr2-9555547-G-C. GRCh37 (hg19) VCF-style: chr2-9695676-G-C.
Other names: c.59C>G, p.Pro20Arg (LRG_1203t1); short protein forms P20R.
Identifiers: ClinVar variation 647890 (VCV000647890.7), dbSNP rs749144062, ClinGen allele CA1523886.